The following is an entry in ClinVar:

NM_001159773.2(CANT1):c.676G>A (p.Val226Met)

Gene: CANT1 (calcium activated nucleotidase 1; minus strand). Cytogenetic location: 17q25.3.
Variant type: single nucleotide variant.
Coding change: c.676G>A on transcript NM_001159773.2 (MANE Select); coding-DNA position 676, G replaced by A.
Protein change: p.Val226Met; replaces valine 226 with methionine.
Molecular consequence: missense variant.
Genome position (GRCh38, 1-based): chr17:78,995,177, C>T on the plus strand (G>A on the coding strand, the complement: CANT1 is on the minus strand). VCF-style: chr17-78995177-C-T. GRCh37 (hg19) VCF-style: chr17-76991259-C-T.
Other names: c.676G>A, p.Val226Met (NM_001159772.2, NM_138793.4); c.676G>A (NM_138793.3); short protein forms V226M.
Identifiers: ClinVar variation 31018 (VCV000031018.15), dbSNP rs377546036, ClinGen allele CA129624.
Genomic context (GRCh38, chr17:78,995,177, plus strand): 5'-CCGGGTTCTCGTTCACCACATCACCCGTAGTGGTCGTCCACTCCTTGCCCAGGCCGCCCA[C>T]GTACAGACGCTCGTCCTTCACTGCCAGCCATTCGGCCTTGAAGCCTGGCCAAGCAGAGTG-3'
Protein context (NP_001153245.1, residues 216-236): WLAVKDERLY[Val226Met]GGLGKEWTTT

ClinVar aggregate classification (germline): Pathogenic. Review status: criteria provided, multiple submitters, no conflicts (2 of 4 stars). 8 submissions from 7 submitters: Pathogenic (6). 2 of the submissions do not count toward it. Last evaluated 2026-07-15.

Conditions:
Desbuquois dysplasia 1 (DBQD1). Also called: DESBUQUOIS DYSPLASIA 1, KIM VARIANT; MICROMELIC DWARFISM WITH VERTEBRAL AND METAPHYSEAL ABNORMALITIES AND ADVANCED CARPOTARSAL OSSIFICATION. Identifiers: Orphanet 1425, MedGen C4012146, MONDO:0009629, OMIM 251450.
Epiphyseal dysplasia, multiple, 7. Identifiers: Orphanet 647676, MedGen C4540251, MONDO:0054680, OMIM 617719.

Allele frequency attached by ClinVar (database versions not stated): ExAC 0.00005; gnomAD 0.00003 and 0.00004; ESP Exome Variant Server 0.00008; TOPMed 0.00006; gnomAD exomes 0.00003.
gnomAD v4.1: 37 of 1,613,756 alleles (0.0023%); highest among the groups gnomAD compares: East Asian, 0.045%; no homozygotes.

Submissions (8):

GeneDx
Classification: Pathogenic. Last evaluated: 2026-07-15. Review status: criteria provided, single submitter. Criteria: GeneDx Variant Classification Process June 2021. Collection method: clinical testing. Allele origin: germline.
Comment: Published functional studies demonstrate a damaging effect with loss of enzymatic function (PMID: 21037275); In silico analysis supports that this missense variant has a deleterious effect on protein structure/function; This variant is associated with the following publications: (PMID: 39618316, 21412251, 30949876, 28742282, Asif Mirza2023[Article], 21037275, 38702915)

Labcorp Genetics (formerly Invitae), Labcorp
Classification: Pathogenic. Last evaluated: 2025-06-12. Review status: criteria provided, single submitter. Criteria: Invitae Variant Classification Sherloc (09022015). Collection method: clinical testing. Allele origin: germline.
Comment: This sequence change replaces valine, which is neutral and non-polar, with methionine, which is neutral and non-polar, at codon 226 of the CANT1 protein (p.Val226Met). This variant is present in population databases (rs377546036, gnomAD 0.01%). This missense change has been observed in individuals with autosomal recessive Desbuquois dysplasia ("Kim-variant") or multiple epiphyseal dysplasia (PMID: 21037275, 28742282). ClinVar contains an entry for this variant (Variation ID: 31018). Invitae Evidence Modeling of protein sequence and biophysical properties (such as structural, functional, and spatial information, amino acid conservation, physicochemical variation, residue mobility, and thermodynamic stability) indicates that this missense variant is expected to disrupt CANT1 protein function with a positive predictive value of 95%. Experimental studies have shown that this missense change affects CANT1 function (PMID: 21037275). For these reasons, this variant has been classified as Pathogenic.

Dasa
Classification: Pathogenic. Last evaluated: 2024-11-12. Review status: criteria provided, single submitter. Criteria: DASA Assertion Criteria. Collection method: clinical testing. Allele origin: germline.
Comment: NM_001159773.2(CANT1):c.676G>A (p.Val226Met) is a missense variant that results in the substitution of valine with methionine. This variant has been observed in affected individuals with related phenotype in a genotype context consistent with recessive disease. Functional evidence supports a deleterious effect on the gene or gene product. Multiple computational predictions support a deleterious effect on the gene or gene product. The variant is present at low frequency in population datasets. Based on the available data, this variant is classified as pathogenic.

Fulgent Genetics
Classification: Pathogenic for Desbuquois dysplasia 1; Epiphyseal dysplasia, multiple, 7. Last evaluated: 2024-02-02. Review status: criteria provided, single submitter. Criteria: ACMG Guidelines, 2015. Collection method: clinical testing. Allele origin: germline.

Women's Health and Genetics/Laboratory Corporation of America, LabCorp
Classification: Pathogenic for Desbuquois dysplasia 1. Last evaluated: 2024-01-31. Review status: criteria provided, single submitter. Criteria: LabCorp Variant Classification Summary - May 2015. Collection method: clinical testing. Allele origin: germline.
Comment: Variant summary: CANT1 c.676G>A (p.Val226Met) results in a conservative amino acid change in the encoded protein sequence. Four of five in-silico tools predict a damaging effect of the variant on protein function. The variant allele was found at a frequency of 2.8e-05 in 251052 control chromosomes (gnomAD). c.676G>A has been reported in the literature in multiple individuals affected with Desbuquois dysplasia or Multiple Epiphyseal Dysplasia (Furuichi_2011, Balasubramanian_2017). These data indicate that the variant is very likely to be associated with disease. At least one publication reports experimental evidence evaluating an impact on protein function, finding that the variant results in a substantial reduction of normal nucleotidase activity (Furuichi_2011). The following publications have been ascertained in the context of this evaluation (PMID: 21037275, 28742282). ClinVar contains an entry for this variant (Variation ID: 31018). Based on the evidence outlined above, the variant was classified as pathogenic.

Mendelics
Classification: Pathogenic for Desbuquois dysplasia 1. Last evaluated: 2022-05-04. Review status: criteria provided, single submitter. Criteria: Mendelics Assertion Criteria 2019. Collection method: clinical testing. Allele origin: germline.

OMIM
Classification: Pathogenic for DESBUQUOIS DYSPLASIA 1, KIM VARIANT. Last evaluated: 2011-05-01. Review status: no assertion criteria provided. Collection method: literature only. Allele origin: germline. Not counted in ClinVar's aggregate classification.

OMIM
Classification: Pathogenic for EPIPHYSEAL DYSPLASIA, MULTIPLE, 7. Last evaluated: 2011-05-01. Review status: no assertion criteria provided. Collection method: literature only. Allele origin: germline. Not counted in ClinVar's aggregate classification.

Literature cited by the submitters: PubMed 21037275 (cited by 3 submitters); PubMed 28742282 (cited by 3 submitters); PubMed 20358597 (cited by OMIM); PubMed 21412251 (cited by OMIM).